The following is an entry in ClinVar:

NM_006767.4(LZTR1):c.20C>A (p.Thr7Lys)

Genes: LZTR1 (leucine zipper like post translational regulator 1; plus strand), LOC130067016 (ATAC-STARR-seq lymphoblastoid silent region 13504; plus strand). Cytogenetic location: 22q11.21.
Variant type: single nucleotide variant.
Coding change: c.20C>A on transcript NM_006767.4 (MANE Select); coding-DNA position 20, C replaced by A.
Protein change: p.Thr7Lys; replaces threonine 7 with lysine.
Molecular consequence: missense variant.
Genome position (GRCh38, 1-based): chr22:20,982,391, C>A. VCF-style: chr22-20982391-C-A. GRCh37 (hg19) VCF-style: chr22-21336680-C-A.
Other names: short protein forms T7K.
Identifiers: ClinVar variation 4101909 (VCV004101909.1).

ClinVar aggregate classification (germline): Uncertain significance (1 of 4 stars; one submission).

Conditions:
Cardiovascular phenotype. Identifiers: MedGen CN230736.
Hereditary cancer-predisposing syndrome. Also called: Tumor predisposition; Neoplastic Syndromes, Hereditary; Hereditary neoplastic syndrome; Hereditary Cancer Syndrome. Identifiers: Orphanet 140162, MedGen C0027672, MeSH D009386, MONDO:0015356.

Submission:

Ambry Genetics
Classification: Uncertain significance for Cardiovascular phenotype; Hereditary cancer-predisposing syndrome. Last evaluated: 2025-07-28. Review status: criteria provided, single submitter. Criteria: Ambry Variant Classification Scheme 2023. Collection method: clinical testing. Allele origin: germline.
Comment: The p.T7K variant (also known as c.20C>A), located in coding exon 1 of the LZTR1 gene, results from a C to A substitution at nucleotide position 20. The threonine at codon 7 is replaced by lysine, an amino acid with similar properties. This amino acid position is conserved. In addition, this alteration is predicted to be tolerated by in silico analysis. Based on the available evidence, the clinical significance of this variant remains unclear.